The following is an entry in ClinVar:

ClinVar aggregate classification (germline): Conflicting classifications of pathogenicity. Review status: criteria provided, conflicting classifications (1 of 4 stars). 6 submissions from 5 submitters: Uncertain significance (1); Benign (2); Likely benign (1). 2 of the submissions do not count toward it. Last evaluated 2026-02-01.

Conditions:
Glucocorticoid-remediable aldosteronism. Also called: Hyperaldosteronism, familial, type I; ACTH-DEPENDENT HYPERALDOSTERONISM SYNDROME; ALDOSTERONISM, SENSITIVE TO DEXAMETHASONE; FH I; GLUCOCORTICOID-SUPPRESSIBLE HYPERALDOSTERONISM. Identifiers: Orphanet 403, MedGen C3838731, MONDO:0007080, OMIM 103900.
Deficiency of steroid 11-beta-monooxygenase (CYP11B1). Also called: ADRENAL HYPERPLASIA, CONGENITAL, DUE TO STEROID 11-BETA-HYDROXYLASE DEFICIENCY; 11-BETA-HYDROXYLASE DEFICIENCY; ADRENAL HYPERPLASIA IV; P450C11B1 DEFICIENCY; STEROID 11-BETA-HYDROXYLASE DEFICIENCY; Congenital adrenal hyperplasia due to 11-beta-hydroxylase deficiency. Identifiers: Orphanet 90795, MedGen C0268292, MONDO:0008729, OMIM 202010. Disease mechanism: loss of function.

Allele frequency attached by ClinVar (database versions not stated): 1000 Genomes Project 0.00020; 1000 Genomes Project 30x 0.00031; gnomAD exomes 0.00122; gnomAD 0.00127 and 0.00158; TOPMed 0.00134; ExAC 0.00150; ESP Exome Variant Server 0.00208.
gnomAD v4.1: 2,538 of 1,614,108 alleles (0.16%); highest among the groups gnomAD compares: Non-Finnish European, 0.2%; 5 homozygotes.

Submissions (6):

Labcorp Genetics (formerly Invitae), Labcorp
Classification: Benign. Last evaluated: 2026-02-01. Review status: criteria provided, single submitter. Criteria: Invitae Variant Classification Sherloc (09022015). Collection method: clinical testing. Allele origin: germline.

Illumina Laboratory Services, Illumina
Classification: Benign for Glucocorticoid-remediable aldosteronism. Last evaluated: 2018-01-13. Review status: criteria provided, single submitter. Criteria: ICSL Variant Classification Criteria 13 December 2019. Collection method: clinical testing. Allele origin: germline.
Comment: This variant was observed in the ICSL laboratory as part of a predisposition screen in an ostensibly healthy population. It had not been previously curated by ICSL or reported in the Human Gene Mutation Database (HGMD: prior to June 1st, 2018), and was therefore a candidate for classification through an automated scoring system. Utilizing variant allele frequency, disease prevalence and penetrance estimates, and inheritance mode, an automated score was calculated to assess if this variant is too frequent to cause the disease. Based on the score and internal cut-off values, a variant classified as benign is not then subjected to further curation. The score for this variant resulted in a classification of benign for this disease.

Illumina Laboratory Services, Illumina
Classification: Uncertain significance for Deficiency of steroid 11-beta-monooxygenase. Last evaluated: 2018-01-13. Review status: criteria provided, single submitter. Criteria: ICSL Variant Classification Criteria 13 December 2019. Collection method: clinical testing. Allele origin: germline.

Genetic Services Laboratory, University of Chicago
Classification: Likely benign. Last evaluated: 2017-01-12. Review status: criteria provided, single submitter. Criteria: ACMG Guidelines, 2015. Collection method: clinical testing. Allele origin: germline. Affected: no.

Clinical Genetics DNA and cytogenetics Diagnostics Lab, Erasmus MC, Erasmus Medical Center
Classification: Likely benign. Review status: no assertion criteria provided. Collection method: clinical testing. Allele origin: germline. Affected: yes. Study: VKGL Data-share Consensus. Not counted in ClinVar's aggregate classification.

Genome Diagnostics Laboratory, University Medical Center Utrecht
Classification: Likely benign. Review status: no assertion criteria provided. Collection method: clinical testing. Allele origin: germline. Affected: yes. Study: VKGL Data-share Consensus. Not counted in ClinVar's aggregate classification.

NM_000497.4(CYP11B1):c.1014G>A (p.Gln338=)

Genes: CYP11B1 (cytochrome P450 family 11 subfamily B member 1; minus strand), LOC106799833 (CYP11B1 recombination region; plus strand). Cytogenetic location: 8q24.3.
Variant type: single nucleotide variant.
Coding change: c.1014G>A on transcript NM_000497.4 (MANE Select); coding-DNA position 1014, G replaced by A.
Protein change: p.Gln338=; no amino-acid change (glutamine 338 retained).
Molecular consequence: synonymous variant.
Genome position (GRCh38, 1-based): chr8:142,875,819, C>T on the plus strand (G>A on the coding strand, the complement: CYP11B1 is on the minus strand). VCF-style: chr8-142875819-C-T. GRCh37 (hg19) VCF-style: chr8-143957235-C-T.
Other names: c.1014G>A, p.Gln338= (NM_001026213.1).
Identifiers: ClinVar variation 362154 (VCV000362154.21), dbSNP rs151335623, ClinGen allele CA4905181.